The following is an entry in ClinVar:

NM_006060.6(IKZF1):c.161-8512A>T

Gene: IKZF1 (IKAROS family zinc finger 1; plus strand). Cytogenetic location: 7p12.2.
Variant type: single nucleotide variant.
Coding change: c.161-8512A>T on transcript NM_006060.6 (MANE Select); 8512 bases into the intron before coding-DNA position 161, A replaced by T.
Molecular consequence: intron variant. On other transcripts: missense variant (4).
Genome position (GRCh38, 1-based): chr7:50,368,021, A>T. VCF-style: chr7-50368021-A-T. GRCh37 (hg19) VCF-style: chr7-50435719-A-T.
Other names: c.176A>T, p.Asp59Val (NM_001291845.2, NM_001291846.2, NM_001291847.2 and 1 more transcripts); c.161-14519A>T (NM_001291839.2, NM_001291838.2, NM_001220767.2 and 1 more transcripts); c.161-8512A>T (NM_001220765.3, NM_001291837.2, NM_001220768.2 and 1 more transcripts); c.161-19324A>T (NM_001291841.1, NM_001291842.1); c.161-23708A>T (NM_001291843.1, NM_001291844.1); c.161-31897A>T (NM_001291840.1); short protein forms D59V.
Identifiers: ClinVar variation 2634556 (VCV002634556.1), dbSNP rs1398036160, ClinGen allele CA367525491.

ClinVar aggregate classification (germline): Uncertain significance (1 of 4 stars; one submission).

Conditions:
IKZF1-related disorder. Also called: IKZF1-related condition.

Allele frequency attached by ClinVar (database versions not stated): gnomAD 0.00001; gnomAD exomes 0.00003; TOPMed 0.00004.
gnomAD v4.1: 16 of 699,670 alleles (0.0023%); highest among the groups gnomAD compares: Admixed American, 0.03%; no homozygotes.

Submission:

PreventionGenetics, part of Exact Sciences
Classification: Uncertain significance for IKZF1-related condition. Last evaluated: 2023-08-27. Review status: criteria provided, single submitter. Criteria: ACMG Guidelines, 2015. Collection method: clinical testing. Allele origin: germline.
Comment: The IKZF1 c.176A>T variant is predicted to result in the amino acid substitution p.Asp59Val. To our knowledge, this variant has not been reported in the literature. This variant is reported in 0.045% of alleles in individuals of Latino descent in gnomAD. At this time, the clinical significance of this variant is uncertain due to the absence of conclusive functional and genetic evidence.